The following is an entry in ClinVar:

NM_024312.5(GNPTAB):c.890dup (p.Ser298fs)

Gene: GNPTAB (N-acetylglucosamine-1-phosphate transferase subunits alpha and beta; minus strand). Cytogenetic location: 12q23.2.
Variant type: Duplication.
Coding change: c.890dup on transcript NM_024312.5 (MANE Select); coding-DNA position 890, one base duplicated (T; older notation c.890dupT).
Protein change: p.Ser298fs; shifts the reading frame from serine 298.
Molecular consequence: frameshift variant.
Genome position (GRCh38, 1-based): chr12:101,771,039, A duplicated on the plus strand (T on the coding strand, the reverse complement: GNPTAB is on the minus strand). VCF-style (leftmost placement, unchanged base first): chr12-101771038-T-TA. GRCh37 (hg19) VCF-style: chr12-102164816-T-TA.
Other names: short protein forms S298fs.
Identifiers: ClinVar variation 850178 (VCV000850178.9), dbSNP rs1953165224, ClinGen allele CA916083334.

ClinVar aggregate classification (germline): Pathogenic (1 of 4 stars; one submission).

Conditions:
Mucolipidosis type II. Also called: Mucolipidosis II Alpha/Beta; ML II ALPHA/BETA; Mucolipidosis 2; ML 2; Inclusion cell disease; Leroy Disease. Identifiers: Orphanet 576, MedGen C2673377, MONDO:0009650, OMIM 252500.
Pseudo-Hurler polydystrophy. Also called: MUCOLIPIDOSIS IIIA; ML III; ML III ALPHA/BETA; Type III Mucolipidosis; Mucolipidosis III Alpha/Beta; ML IIIA. Identifiers: Orphanet 423461, Orphanet 577, MedGen C0033788, MONDO:0018931, OMIM 252600.

Submission:

Labcorp Genetics (formerly Invitae), Labcorp
Classification: Pathogenic for Pseudo-Hurler polydystrophy; Mucolipidosis type II. Last evaluated: 2024-01-06. Review status: criteria provided, single submitter. Criteria: Invitae Variant Classification Sherloc (09022015). Collection method: clinical testing. Allele origin: germline.
Comment: This sequence change creates a premature translational stop signal (p.Ser298Lysfs*16) in the GNPTAB gene. It is expected to result in an absent or disrupted protein product. Loss-of-function variants in GNPTAB are known to be pathogenic (PMID: 19617216, 25107912). This variant is not present in population databases (gnomAD no frequency). This premature translational stop signal has been observed in individual(s) with mucolipidosis II (PMID: 29872134). ClinVar contains an entry for this variant (Variation ID: 850178). For these reasons, this variant has been classified as Pathogenic.

Literature cited by the submitters: PubMed 19617216; PubMed 25107912; PubMed 29872134.